The following is an entry in ClinVar:

ClinVar aggregate classification (germline): Conflicting classifications of pathogenicity. Review status: criteria provided, conflicting classifications (1 of 4 stars). 5 submissions from 5 submitters: Uncertain significance (3); Benign (1). 1 of the submissions does not count toward it. Last evaluated 2025-02-03.

Conditions:
Bardet-Biedl syndrome 4 (BBS4). Identifiers: Orphanet 110, MedGen C2936864, MONDO:0014433, OMIM 615982.
BBS4-related disorder. Also called: BBS4-related condition.
Bardet-Biedl syndrome (BBS). Identifiers: Orphanet 110, MedGen C0752166, MONDO:0015229.

Allele frequency attached by ClinVar (database versions not stated): gnomAD exomes 0.00004 and 0.00012; ExAC 0.00012; TOPMed 0.00057; gnomAD 0.00058 and 0.00063; ESP Exome Variant Server 0.00062.
gnomAD v4.1: 143 of 1,614,168 alleles (0.0089%); highest among the groups gnomAD compares: African/African-American, 0.16%; no homozygotes.

Submissions (5):

Labcorp Genetics (formerly Invitae), Labcorp
Classification: Uncertain significance for Bardet-Biedl syndrome. Last evaluated: 2025-02-03. Review status: criteria provided, single submitter. Criteria: Invitae Variant Classification Sherloc (09022015). Collection method: clinical testing. Allele origin: germline.
Comment: This sequence change replaces isoleucine, which is neutral and non-polar, with valine, which is neutral and non-polar, at codon 172 of the BBS4 protein (p.Ile172Val). This variant is present in population databases (rs145265395, gnomAD 0.2%). This variant has not been reported in the literature in individuals affected with BBS4-related conditions. ClinVar contains an entry for this variant (Variation ID: 445986). Invitae Evidence Modeling of protein sequence and biophysical properties (such as structural, functional, and spatial information, amino acid conservation, physicochemical variation, residue mobility, and thermodynamic stability) indicates that this missense variant is not expected to disrupt BBS4 protein function with a negative predictive value of 80%. In summary, the available evidence is currently insufficient to determine the role of this variant in disease. Therefore, it has been classified as a Variant of Uncertain Significance.

Fulgent Genetics
Classification: Uncertain significance for Bardet-Biedl syndrome 4. Last evaluated: 2024-05-07. Review status: criteria provided, single submitter. Criteria: ACMG Guidelines, 2015. Collection method: clinical testing. Allele origin: germline.

Blueprint Genetics
Classification: Benign. Last evaluated: 2024-03-09. Review status: criteria provided, single submitter. Criteria: ACMG Guidelines, 2015. Collection method: clinical testing. Allele origin: germline.

Center for Pediatric Genomic Medicine, Children's Mercy Hospital and Clinics
Classification: Uncertain significance. Last evaluated: 2017-03-08. Review status: criteria provided, single submitter. Criteria: ACMG Guidelines, 2015. Collection method: clinical testing. Allele origin: germline.

PreventionGenetics, part of Exact Sciences
Classification: Likely benign for BBS4-related condition. Last evaluated: 2020-05-21. Review status: no assertion criteria provided. Collection method: clinical testing. Allele origin: germline. Not counted in ClinVar's aggregate classification.
Comment: This variant is classified as likely benign based on ACMG/AMP sequence variant interpretation guidelines (Richards et al. 2015 PMID: 25741868, with internal and published modifications).

NM_033028.5(BBS4):c.514A>G (p.Ile172Val)

Gene: BBS4 (Bardet-Biedl syndrome 4; plus strand). Cytogenetic location: 15q24.1.
Variant type: single nucleotide variant.
Coding change: c.514A>G on transcript NM_033028.5 (MANE Select); coding-DNA position 514, A replaced by G.
Protein change: p.Ile172Val; replaces isoleucine 172 with valine.
Molecular consequence: missense variant. On other transcripts: 5 prime UTR variant (1), non-coding transcript variant (2).
Genome position (GRCh38, 1-based): chr15:72,724,582, A>G. VCF-style: chr15-72724582-A-G. GRCh37 (hg19) VCF-style: chr15-73016923-A-G.
Other names: c.-3A>G (NM_001252678.2); c.514A>G, p.Ile172Val (NM_001320665.2); short protein forms I172V.
Identifiers: ClinVar variation 445986 (VCV000445986.10), dbSNP rs145265395, ClinGen allele CA7646663.